The following is an entry in ClinVar:

NM_181458.4(PAX3):c.379G>C (p.Gly127Arg)

Gene: PAX3 (paired box 3; minus strand). Cytogenetic location: 2q36.1.
Variant type: single nucleotide variant.
Coding change: c.379G>C on transcript NM_181458.4 (MANE Select); coding-DNA position 379, G replaced by C.
Protein change: p.Gly127Arg; replaces glycine 127 with arginine.
Molecular consequence: missense variant.
Genome position (GRCh38, 1-based): chr2:222,295,600, C>G on the plus strand (G>C on the coding strand, the complement: PAX3 is on the minus strand). VCF-style: chr2-222295600-C-G. GRCh37 (hg19) VCF-style: chr2-223160319-C-G.
Other names: c.379G>C, p.Gly127Arg (NM_000438.6, NM_013942.5, NM_181457.4 and 3 more transcripts); c.376G>C, p.Gly126Arg (NM_001127366.3); short protein forms G126R, G127R.
Identifiers: ClinVar variation 2245411 (VCV002245411.3), dbSNP rs2469479113, ClinGen allele CA351113196.
Genomic context (GRCh38, chr2:222,295,600, plus strand): 5'-TGTTTCGATCACAGACCGCGTCCTTGAGTAATTTGTCTCGGATTTCCCAGCTGAACATGC[C>G]CGGGTTCTCTCTTTTGTATTCCTCAATTTTCTTCTCCACGTCAGGCGTTGTCACCTGCTT-3'
Protein context (NP_852123.1, residues 117-137): KIEEYKRENP[Gly127Arg]MFSWEIRDKL

ClinVar aggregate classification (germline): Uncertain significance. Review status: criteria provided, multiple submitters, no conflicts (2 of 4 stars). 2 submissions from 2 submitters: Uncertain significance (2). Last evaluated 2024-10-24.

Conditions:
Inborn genetic diseases. Identifiers: MedGen C0950123, MeSH D030342.

Allele frequency attached by ClinVar (database versions not stated): gnomAD exomes below 0.00001.
gnomAD v4.1: 3 of 1,614,196 alleles (0.00019%); highest among the groups gnomAD compares: Admixed American, 0.0017%; no homozygotes.

Submissions (2):

GeneDx
Classification: Uncertain significance. Last evaluated: 2024-10-24. Review status: criteria provided, single submitter. Criteria: GeneDx Variant Classification Process June 2021. Collection method: clinical testing. Allele origin: germline. Affected: yes.
Comment: Not observed at significant frequency in large population cohorts (gnomAD); In silico analysis supports that this missense variant has a deleterious effect on protein structure/function; Has not been previously published as pathogenic or benign to our knowledge

Ambry Genetics
Classification: Uncertain significance for Inborn genetic diseases. Last evaluated: 2021-08-16. Review status: criteria provided, single submitter. Criteria: Ambry Variant Classification Scheme 2023. Collection method: clinical testing. Allele origin: germline.